The following is an entry in ClinVar:

ClinVar aggregate classification (germline): Pathogenic (1 of 4 stars; one submission).

Conditions:
COG7 congenital disorder of glycosylation (CDG2E). Also called: CONGENITAL DISORDER OF GLYCOSYLATION, TYPE IIe; CDG IIe. Identifiers: Orphanet 79333, MedGen C2931010, MONDO:0012118, OMIM 608779.

Submission:

Labcorp Genetics (formerly Invitae), Labcorp
Classification: Pathogenic for COG7 congenital disorder of glycosylation. Last evaluated: 2025-09-18. Review status: criteria provided, single submitter. Criteria: Invitae Variant Classification Sherloc (09022015). Collection method: clinical testing. Allele origin: germline.
Comment: This sequence change creates a premature translational stop signal (p.Gln667*) in the COG7 gene. It is expected to result in an absent or disrupted protein product. Loss-of-function variants in COG7 are known to be pathogenic (PMID: 21811164). This variant is not present in population databases (gnomAD no frequency). This variant has not been reported in the literature in individuals affected with COG7-related conditions. For these reasons, this variant has been classified as Pathogenic.

Literature cited by the submitters: PubMed 21811164.

NM_153603.4(COG7):c.1999C>T (p.Gln667Ter)

Gene: COG7 (component of oligomeric golgi complex 7; minus strand). Cytogenetic location: 16p12.2.
Variant type: single nucleotide variant.
Coding change: c.1999C>T on transcript NM_153603.4 (MANE Select); coding-DNA position 1999, C replaced by T.
Protein change: p.Gln667Ter; replaces glutamine 667 with a stop codon.
Molecular consequence: nonsense.
Genome position (GRCh38, 1-based): chr16:23,393,236, G>A on the plus strand (C>T on the coding strand, the complement: COG7 is on the minus strand). VCF-style: chr16-23393236-G-A. GRCh37 (hg19) VCF-style: chr16-23404557-G-A.
Other names: short protein forms Q667*.
Identifiers: ClinVar variation 4803547 (VCV004803547.1).